The following is an entry in ClinVar:

ClinVar aggregate classification (germline): Uncertain significance. Review status: criteria provided, multiple submitters, no conflicts (2 of 4 stars). 2 submissions from 2 submitters: Uncertain significance (2). Last evaluated 2023-02-24.

Conditions:
Hereditary cancer-predisposing syndrome. Also called: Tumor predisposition; Neoplastic Syndromes, Hereditary; Hereditary neoplastic syndrome; Hereditary Cancer Syndrome. Identifiers: Orphanet 140162, MedGen C0027672, MeSH D009386, MONDO:0015356.
Ataxia-telangiectasia syndrome (AT). Also called: Ataxia-telangiectasia, complementation group D; AT, COMPLEMENTATION GROUP C; ATAXIA-TELANGIECTASIA, COMPLEMENTATION GROUP A; ATAXIA-TELANGIECTASIA, FRESNO VARIANT; Ataxia-telangiectasia; Ataxia telangiectasia (A-T). Identifiers: Orphanet 100, MedGen C0004135, MONDO:0008840, OMIM 208900.

Submissions (2):

Labcorp Genetics (formerly Invitae), Labcorp
Classification: Uncertain significance for Ataxia-telangiectasia syndrome. Last evaluated: 2023-02-24. Review status: criteria provided, single submitter. Criteria: Invitae Variant Classification Sherloc (09022015). Collection method: clinical testing. Allele origin: germline.
Comment: ClinVar contains an entry for this variant (Variation ID: 947727). In summary, the available evidence is currently insufficient to determine the role of this variant in disease. Therefore, it has been classified as a Variant of Uncertain Significance. Algorithms developed to predict the effect of missense changes on protein structure and function output the following: SIFT: "Not Available"; PolyPhen-2: "Benign"; Align-GVGD: "Not Available". The glutamine amino acid residue is found in multiple mammalian species, which suggests that this missense change does not adversely affect protein function. This variant has not been reported in the literature in individuals affected with ATM-related conditions. This variant is not present in population databases (gnomAD no frequency). This sequence change replaces glutamic acid, which is acidic and polar, with glutamine, which is neutral and polar, at codon 2245 of the ATM protein (p.Glu2245Gln).

Color Diagnostics, LLC DBA Color Health
Classification: Uncertain significance for Hereditary cancer-predisposing syndrome. Last evaluated: 2020-08-04. Review status: criteria provided, single submitter. Criteria: ACMG Guidelines, 2015. Collection method: clinical testing. Allele origin: germline.
Comment: This missense variant replaces glutamic acid with glutamine at codon 2245 of the ATM protein. Computational prediction suggests that this variant may not impact protein structure and function (internally defined REVEL score threshold <= 0.5, PMID: 27666373). To our knowledge, functional studies have not been reported for this variant. This variant has not been reported in individuals affected with hereditary cancer in the literature. This variant has not been identified in the general population by the Genome Aggregation Database (gnomAD). The available evidence is insufficient to determine the role of this variant in disease conclusively. Therefore, this variant is classified as a Variant of Uncertain Significance.

NM_000051.4(ATM):c.6733G>C (p.Glu2245Gln)

Genes: ATM (ATM serine/threonine kinase; plus strand), C11orf65 (chromosome 11 open reading frame 65; minus strand). Cytogenetic location: 11q22.3.
Variant type: single nucleotide variant.
Coding change: c.6733G>C on transcript NM_000051.4 (MANE Select); coding-DNA position 6733, G replaced by C.
Protein change: p.Glu2245Gln; replaces glutamic acid 2245 with glutamine.
Molecular consequence: missense variant. On other transcripts: intron variant (2).
Genome position (GRCh38, 1-based): chr11:108,325,470, G>C. VCF-style: chr11-108325470-G-C. GRCh37 (hg19) VCF-style: chr11-108196197-G-C.
Other names: c.6733G>C, p.Glu2245Gln (NM_001351834.2); c.641-16399C>G (NM_001330368.2); c.*38+9750C>G (NM_001351110.2); short protein forms E2245Q.
Identifiers: ClinVar variation 947727 (VCV000947727.12), dbSNP rs2085572299, ClinGen allele CA382555144.